The following is an entry in ClinVar:

ClinVar aggregate classification (germline): Uncertain significance (1 of 4 stars; one submission).

Conditions:
Hypermethioninemia with deficiency of S-adenosylhomocysteine hydrolase. Identifiers: Orphanet 88618, MedGen C3151058, MONDO:0013404, OMIM 613752.

Allele frequency attached by ClinVar (database versions not stated): gnomAD 0.00001; gnomAD exomes 0.00001.

Submission:

Labcorp Genetics (formerly Invitae), Labcorp
Classification: Uncertain significance for Hypermethioninemia with deficiency of S-adenosylhomocysteine hydrolase. Last evaluated: 2022-12-23. Review status: criteria provided, single submitter. Criteria: Invitae Variant Classification Sherloc (09022015). Collection method: clinical testing. Allele origin: germline.
Comment: Advanced modeling of protein sequence and biophysical properties (such as structural, functional, and spatial information, amino acid conservation, physicochemical variation, residue mobility, and thermodynamic stability) performed at Invitae indicates that this missense variant is not expected to disrupt AHCY protein function. This variant has not been reported in the literature in individuals affected with AHCY-related conditions. This variant is not present in population databases (gnomAD no frequency). This sequence change replaces glutamic acid, which is acidic and polar, with lysine, which is basic and polar, at codon 313 of the AHCY protein (p.Glu313Lys). In summary, the available evidence is currently insufficient to determine the role of this variant in disease. Therefore, it has been classified as a Variant of Uncertain Significance.

NM_000687.4(AHCY):c.937G>A (p.Glu313Lys)

Gene: AHCY (adenosylhomocysteinase; minus strand). Cytogenetic location: 20q11.22.
Variant type: single nucleotide variant.
Coding change: c.937G>A on transcript NM_000687.4 (MANE Select); coding-DNA position 937, G replaced by A.
Protein change: p.Glu313Lys; replaces glutamic acid 313 with lysine.
Molecular consequence: missense variant.
Genome position (GRCh38, 1-based): chr20:34,290,367, C>T on the plus strand (G>A on the coding strand, the complement: AHCY is on the minus strand). VCF-style: chr20-34290367-C-T. GRCh37 (hg19) VCF-style: chr20-32878173-C-T.
Other names: c.853G>A, p.Glu285Lys (NM_001161766.2, NM_001322084.2, NM_001322085.2); c.943G>A, p.Glu315Lys (NM_001322086.2); c.937G>A, p.Glu313Lys (NM_001362750.2); short protein forms E285K, E313K, E315K.
Identifiers: ClinVar variation 2742163 (VCV002742163.1), dbSNP rs113285976, ClinGen allele CA313349334.